The following is an entry in ClinVar:

ClinVar aggregate classification (germline): Uncertain significance (1 of 4 stars; one submission).

Conditions:
Short QT syndrome type 3. Identifiers: Orphanet 51083, MedGen C1865018, MONDO:0012314, OMIM 609622.
Andersen Tawil syndrome (LQT7). Also called: Potassium-sensitive periodic paralysis, ventricular ectopy, and dysmorphic features; ANDERSEN CARDIODYSRHYTHMIC PERIODIC PARALYSIS; PERIODIC PARALYSIS, POTASSIUM-SENSITIVE CARDIODYSRHYTHMIC TYPE; Andersen Syndrome; LONG QT SYNDROME 7. Identifiers: Orphanet 37553, MedGen C1563715, MONDO:0008222, OMIM 170390.

Submission:

Labcorp Genetics (formerly Invitae), Labcorp
Classification: Uncertain significance for Short QT syndrome type 3; Andersen Tawil syndrome. Last evaluated: 2021-08-27. Review status: criteria provided, single submitter. Criteria: Invitae Variant Classification Sherloc (09022015). Collection method: clinical testing. Allele origin: germline.
Comment: This sequence change replaces valine with methionine at codon 161 of the KCNJ2 protein (p.Val161Met). The valine residue is highly conserved and there is a small physicochemical difference between valine and methionine. This variant is not present in population databases (ExAC no frequency). This variant has not been reported in the literature in individuals affected with KCNJ2-related conditions. Algorithms developed to predict the effect of missense changes on protein structure and function are either unavailable or do not agree on the potential impact of this missense change (SIFT: "Tolerated"; PolyPhen-2: "Probably Damaging"; Align-GVGD: "Class C0"). In summary, the available evidence is currently insufficient to determine the role of this variant in disease. Therefore, it has been classified as a Variant of Uncertain Significance.

NM_000891.3(KCNJ2):c.481G>A (p.Val161Met)

Gene: KCNJ2 (potassium inwardly rectifying channel subfamily J member 2; plus strand). Cytogenetic location: 17q24.3.
Variant type: single nucleotide variant.
Coding change: c.481G>A on transcript NM_000891.3 (MANE Select); coding-DNA position 481, G replaced by A.
Protein change: p.Val161Met; replaces valine 161 with methionine.
Molecular consequence: missense variant.
Genome position (GRCh38, 1-based): chr17:70,175,520, G>A. VCF-style: chr17-70175520-G-A. GRCh37 (hg19) VCF-style: chr17-68171661-G-A.
Other names: short protein forms V161M.
Identifiers: ClinVar variation 1006036 (VCV001006036.6), dbSNP rs2074387480, ClinGen allele CA400860691.